The following is an entry in ClinVar:

ClinVar aggregate classification (germline): Likely benign (1 of 4 stars; one submission).

Conditions:
Cataract 18 (CATC2). Also called: CATARACT 18, AUTOSOMAL RECESSIVE. Identifiers: Orphanet 91492, Orphanet 98991, Orphanet 98992, Orphanet 98995, MedGen C1864908, MONDO:0012395, OMIM 610019.

Allele frequency attached by ClinVar (database versions not stated): gnomAD exomes 0.00045; gnomAD 0.00392 and 0.00421; 1000 Genomes Project 0.00399; 1000 Genomes Project 30x 0.00406; TOPMed 0.00443.
gnomAD v4.1: 595 of 156,904 alleles (0.38%); highest among the groups gnomAD compares: African/African-American, 1.3%; 8 homozygotes.

Submission:

Illumina Laboratory Services, Illumina
Classification: Likely benign for Cataract 18. Last evaluated: 2018-01-12. Review status: criteria provided, single submitter. Criteria: ICSL Variant Classification Criteria 13 December 2019. Collection method: clinical testing. Allele origin: germline.
Comment: This variant was observed in the ICSL laboratory as part of a predisposition screen in an ostensibly healthy population. It had not been previously curated by ICSL or reported in the Human Gene Mutation Database (HGMD: prior to June 1st, 2018), and was therefore a candidate for classification through an automated scoring system. Utilizing variant allele frequency, disease prevalence and penetrance estimates, and inheritance mode, an automated score was calculated to assess if this variant is too frequent to cause the disease. Based on the score and internal cut-off values, a variant classified as likely benign is not then subjected to further curation. The score for this variant resulted in a classification of likely benign for this disease.

NM_024513.4(FYCO1):c.*724C>A

Gene: FYCO1 (FYVE and coiled-coil domain autophagy adaptor 1; minus strand). Cytogenetic location: 3p21.31.
Variant type: single nucleotide variant.
Coding change: c.*724C>A on transcript NM_024513.4 (MANE Select); 724 bases downstream of the stop codon, C replaced by A.
Molecular consequence: 3 prime UTR variant.
Genome position (GRCh38, 1-based): chr3:45,921,041, G>T on the plus strand (C>A on the coding strand, the complement: FYCO1 is on the minus strand). VCF-style: chr3-45921041-G-T. GRCh37 (hg19) VCF-style: chr3-45962533-G-T.
Identifiers: ClinVar variation 345478 (VCV000345478.5), dbSNP rs148133261, ClinGen allele CA10616633.